The following is an entry in ClinVar:

ClinVar aggregate classification (germline): Uncertain significance (1 of 4 stars; one submission).

Allele frequency attached by ClinVar (database versions not stated): gnomAD exomes below 0.00001; ExAC 0.00003.
gnomAD v4.1: 3 of 1,593,696 alleles (0.00019%); highest among the groups gnomAD compares: South Asian, 0.0033%; no homozygotes.

Submission:

Labcorp Genetics (formerly Invitae), Labcorp
Classification: Uncertain significance. Last evaluated: 2023-08-07. Review status: criteria provided, single submitter. Criteria: Invitae Variant Classification Sherloc (09022015). Collection method: clinical testing. Allele origin: germline.
Comment: In summary, the available evidence is currently insufficient to determine the role of this variant in disease. Therefore, it has been classified as a Variant of Uncertain Significance. An algorithm developed to predict the effect of missense changes on protein structure and function (PolyPhen-2) suggests that this variant is likely to be disruptive. This variant has not been reported in the literature in individuals affected with POLE2-related conditions. This variant is present in population databases (rs769513508, gnomAD 0.01%). This sequence change replaces tyrosine, which is neutral and polar, with cysteine, which is neutral and slightly polar, at codon 218 of the POLE2 protein (p.Tyr218Cys).

NM_002692.4(POLE2):c.653A>G (p.Tyr218Cys)

Gene: POLE2 (DNA polymerase epsilon 2, accessory subunit; minus strand). Cytogenetic location: 14q21.3.
Variant type: single nucleotide variant.
Coding change: c.653A>G on transcript NM_002692.4 (MANE Select); coding-DNA position 653, A replaced by G.
Protein change: p.Tyr218Cys; replaces tyrosine 218 with cysteine.
Molecular consequence: missense variant.
Genome position (GRCh38, 1-based): chr14:49,664,655, T>C on the plus strand (A>G on the coding strand, the complement: POLE2 is on the minus strand). VCF-style: chr14-49664655-T-C. GRCh37 (hg19) VCF-style: chr14-50131373-T-C.
Other names: c.575A>G, p.Tyr192Cys (NM_001197330.2); c.653A>G, p.Tyr218Cys (NM_001197331.3, NM_001348384.2); c.422A>G, p.Tyr141Cys (NM_001348385.2); short protein forms Y218C, Y141C, Y192C.
Identifiers: ClinVar variation 2854398 (VCV002854398.3), dbSNP rs769513508, ClinGen allele CA7173512.